The following is an entry in ClinVar:

ClinVar aggregate classification (germline): Uncertain significance (1 of 4 stars; one submission).

Conditions:
Epilepsy, familial focal, with variable foci 4 (FFEVF4). Identifiers: MedGen C4693694, MONDO:0054776, OMIM 617935.

gnomAD v4.1: 3 of 1,608,836 alleles (0.00019%); highest among the groups gnomAD compares: East Asian, 0.0022%; no homozygotes.

Submission:

Institute of Human Genetics, University of Leipzig Medical Center
Classification: Uncertain significance for Epilepsy, familial focal, with variable foci 4. Last evaluated: 2025-03-17. Review status: criteria provided, single submitter. Criteria: ACMG Guidelines, 2015. Collection method: clinical testing. Allele origin: unknown. Inheritance: Autosomal dominant inheritance. Affected: yes.
Comment: Criteria applied: PP3_MOD

NM_006922.4(SCN3A):c.3539G>C (p.Cys1180Ser)

Gene: SCN3A (sodium voltage-gated channel alpha subunit 3; minus strand). Cytogenetic location: 2q24.3.
Variant type: single nucleotide variant.
Coding change: c.3539G>C on transcript NM_006922.4 (MANE Select); coding-DNA position 3539, G replaced by C.
Protein change: p.Cys1180Ser; replaces cysteine 1180 with serine.
Molecular consequence: missense variant.
Genome position (GRCh38, 1-based): chr2:165,113,946, C>G on the plus strand (G>C on the coding strand, the complement: SCN3A is on the minus strand). VCF-style: chr2-165113946-C-G. GRCh37 (hg19) VCF-style: chr2-165970456-C-G.
Other names: c.3392G>C, p.Cys1131Ser (NM_001081676.2, NM_001081677.2); short protein forms C1131S, C1180S.
Identifiers: ClinVar variation 3778714 (VCV003778714.1).